The following is an entry in ClinVar:

ClinVar aggregate classification (germline): Likely benign. Review status: criteria provided, multiple submitters, no conflicts (2 of 4 stars). 2 submissions from 2 submitters: Likely benign (2). Last evaluated 2026-09-18.

Conditions:
CLRN1-related disorder. Also called: CLRN1-related condition.

gnomAD v4.1: 4 of 1,534,494 alleles (0.00026%); highest among the groups gnomAD compares: Admixed American, 0.0078%; no homozygotes.

Submissions (2):

PreventionGenetics, part of Exact Sciences
Classification: Likely benign for CLRN1-related condition. Last evaluated: 2026-09-18. Review status: criteria provided, single submitter. Criteria: ACMG Guidelines, 2015. Collection method: clinical testing. Allele origin: germline.
Comment: This variant is classified as likely benign based on ACMG/AMP sequence variant interpretation guidelines (Richards et al. 2015 PMID: 25741868, with internal and published modifications).

Blueprint Genetics
Classification: Likely benign. Last evaluated: 2022-08-30. Review status: criteria provided, single submitter. Criteria: ACMG Guidelines, 2015. Collection method: clinical testing. Allele origin: germline.

NM_174878.3(CLRN1):c.433+1054C>T

Gene: CLRN1 (clarin 1; minus strand). Cytogenetic location: 3q25.1.
Variant type: single nucleotide variant.
Coding change: c.433+1054C>T on transcript NM_174878.3 (MANE Select); 1054 bases into the intron after coding-DNA position 433, C replaced by T.
Molecular consequence: intron variant.
Genome position (GRCh38, 1-based): chr3:150,940,528, G>A on the plus strand (C>T on the coding strand, the complement: CLRN1 is on the minus strand). VCF-style: chr3-150940528-G-A. GRCh37 (hg19) VCF-style: chr3-150658315-G-A.
Other names: c.205+1054C>T (NM_052995.2); c.434-9C>T (NM_001195794.1); c.*47+1054C>T (NM_001256819.2).
Identifiers: ClinVar variation 4964684 (VCV004964684.2).